The following is an entry in ClinVar:

NM_019098.5(CNGB3):c.1201G>A (p.Ala401Thr)

Gene: CNGB3 (cyclic nucleotide gated channel subunit beta 3; minus strand). Cytogenetic location: 8q21.3.
Variant type: single nucleotide variant.
Coding change: c.1201G>A on transcript NM_019098.5 (MANE Select); coding-DNA position 1201, G replaced by A.
Protein change: p.Ala401Thr; replaces alanine 401 with threonine.
Molecular consequence: missense variant.
Genome position (GRCh38, 1-based): chr8:86,632,871, C>T on the plus strand (G>A on the coding strand, the complement: CNGB3 is on the minus strand). VCF-style: chr8-86632871-C-T. GRCh37 (hg19) VCF-style: chr8-87645099-C-T.
Other names: short protein forms A401T.
Identifiers: ClinVar variation 1373785 (VCV001373785.4), dbSNP rs2131585574, ClinGen allele CA371444474.

ClinVar aggregate classification (germline): Uncertain significance (1 of 4 stars; one submission).

Submission:

Labcorp Genetics (formerly Invitae), Labcorp
Classification: Uncertain significance. Last evaluated: 2021-08-16. Review status: criteria provided, single submitter. Criteria: Invitae Variant Classification Sherloc (09022015). Collection method: clinical testing. Allele origin: germline.
Comment: This sequence change replaces alanine with threonine at codon 401 of the CNGB3 protein (p.Ala401Thr). The alanine residue is highly conserved and there is a small physicochemical difference between alanine and threonine. This variant is not present in population databases (ExAC no frequency). This variant has not been reported in the literature in individuals affected with CNGB3-related conditions. Algorithms developed to predict the effect of missense changes on protein structure and function are either unavailable or do not agree on the potential impact of this missense change (SIFT: "Deleterious"; PolyPhen-2: "Probably Damaging"; Align-GVGD: "Class C0"). In summary, the available evidence is currently insufficient to determine the role of this variant in disease. Therefore, it has been classified as a Variant of Uncertain Significance.